The following is an entry in ClinVar:

ClinVar aggregate classification (germline): Conflicting classifications of pathogenicity. Review status: criteria provided, conflicting classifications (1 of 4 stars). 5 submissions from 5 submitters: Uncertain significance (1); Likely benign (2). 2 of the submissions do not count toward it. Last evaluated 2025-12-08.

Conditions:
Retinal dystrophy. Also called: Inherited retinal dystrophy. Identifiers: Orphanet 71862, MedGen C0854723, MeSH D058499, MONDO:0019118, HP:0000556.
Usher syndrome type 2A. Also called: RETINAL DISEASE IN USHER SYNDROME TYPE IIA, MODIFIER OF; USHER SYNDROME, TYPE IIA. Identifiers: Orphanet 231178, Orphanet 886, MedGen C1848634, MONDO:0010169, OMIM 276901.
USH2A-related disorder. Also called: USH2A-related disorders; USH2A-related condition. Identifiers: MedGen CN239332.

Allele frequency attached by ClinVar (database versions not stated): gnomAD 0.00003 and 0.00005; TOPMed 0.00006; gnomAD exomes 0.00008; ExAC 0.00009; 1000 Genomes Project 30x 0.00016; 1000 Genomes Project 0.00020.
gnomAD v4.1: 60 of 1,614,200 alleles (0.0037%); highest among the groups gnomAD compares: East Asian, 0.091%; 1 homozygote.

Submissions (5):

Labcorp Genetics (formerly Invitae), Labcorp
Classification: Likely benign. Last evaluated: 2025-12-08. Review status: criteria provided, single submitter. Criteria: Invitae Variant Classification Sherloc (09022015). Collection method: clinical testing. Allele origin: germline.

Dept Of Ophthalmology, Nagoya University
Classification: Likely benign for Retinal dystrophy. Last evaluated: 2023-10-01. Review status: criteria provided, single submitter. Criteria: Submitter's publication. Collection method: research. Allele origin: germline. Affected: yes.

Blueprint Genetics
Classification: Uncertain significance. Last evaluated: 2022-10-06. Review status: criteria provided, single submitter. Criteria: ACMG Guidelines, 2015. Collection method: clinical testing. Allele origin: germline.

Natera, Inc.
Classification: Likely benign for Usher syndrome type 2A. Last evaluated: 2020-06-09. Review status: no assertion criteria provided. Collection method: clinical testing. Allele origin: germline. Not counted in ClinVar's aggregate classification.

PreventionGenetics, part of Exact Sciences
Classification: Likely benign for USH2A-related condition. Last evaluated: 2019-09-10. Review status: no assertion criteria provided. Collection method: clinical testing. Allele origin: germline. Not counted in ClinVar's aggregate classification.
Comment: This variant is classified as likely benign based on ACMG/AMP sequence variant interpretation guidelines (Richards et al. 2015 PMID: 25741868, with internal and published modifications).

NM_206933.4(USH2A):c.12918C>T (p.Leu4306=)

Gene: USH2A (usherin; minus strand). Cytogenetic location: 1q41.
Variant type: single nucleotide variant.
Coding change: c.12918C>T on transcript NM_206933.4 (MANE Select); coding-DNA position 12918, C replaced by T.
Protein change: p.Leu4306=; no amino-acid change (leucine 4306 retained).
Molecular consequence: synonymous variant.
Genome position (GRCh38, 1-based): chr1:215,674,993, G>A on the plus strand (C>T on the coding strand, the complement: USH2A is on the minus strand). VCF-style: chr1-215674993-G-A. GRCh37 (hg19) VCF-style: chr1-215848335-G-A.
Identifiers: ClinVar variation 750902 (VCV000750902.16), dbSNP rs192709780, ClinGen allele CA1393390.